The following is an entry in ClinVar:

NM_001710.6(CFB):c.2215C>T (p.Arg739Ter)

Gene: CFB (complement factor B; plus strand). Cytogenetic location: 6p21.33.
Variant type: single nucleotide variant.
Coding change: c.2215C>T on transcript NM_001710.6 (MANE Select); coding-DNA position 2215, C replaced by T.
Protein change: p.Arg739Ter; replaces arginine 739 with a stop codon.
Molecular consequence: nonsense.
Genome position (GRCh38, 1-based): chr6:31,951,950, C>T. VCF-style: chr6-31951950-C-T. GRCh37 (hg19) VCF-style: chr6-31919727-C-T.
Other names: short protein forms R739*.
Identifiers: ClinVar variation 2807836 (VCV002807836.3), dbSNP rs1036025541, ClinGen allele CA136898978.

ClinVar aggregate classification (germline): Uncertain significance (1 of 4 stars; one submission).

Allele frequency attached by ClinVar (database versions not stated): gnomAD exomes below 0.00001.
gnomAD v4.1: 4 of 1,613,094 alleles (0.00025%); highest among the groups gnomAD compares: Admixed American, 0.0017%; no homozygotes.

Submission:

Labcorp Genetics (formerly Invitae), Labcorp
Classification: Uncertain significance. Last evaluated: 2024-01-11. Review status: criteria provided, single submitter. Criteria: Invitae Variant Classification Sherloc (09022015). Collection method: clinical testing. Allele origin: germline.
Comment: This sequence change creates a premature translational stop signal (p.Arg739*) in the CFB gene. While this is not anticipated to result in nonsense mediated decay, it is expected to disrupt the last 26 amino acid(s) of the CFB protein. This variant is present in population databases (no rsID available, gnomAD 0.003%). This variant has not been reported in the literature in individuals affected with CFB-related conditions. Experimental studies and prediction algorithms are not available or were not evaluated, and the functional significance of this variant is currently unknown. In summary, the available evidence is currently insufficient to determine the role of this variant in disease. Therefore, it has been classified as a Variant of Uncertain Significance.